The following is an entry in ClinVar:

NM_001195248.2(APTX):c.595C>T (p.Arg199Cys)

Gene: APTX (aprataxin; minus strand). Cytogenetic location: 9p21.1.
Variant type: single nucleotide variant.
Coding change: c.595C>T on transcript NM_001195248.2 (MANE Select); coding-DNA position 595, C replaced by T.
Protein change: p.Arg199Cys; replaces arginine 199 with cysteine.
Molecular consequence: missense variant. On other transcripts: non-coding transcript variant (9).
Genome position (GRCh38, 1-based): chr9:32,984,806, G>A on the plus strand (C>T on the coding strand, the complement: APTX is on the minus strand). VCF-style: chr9-32984806-G-A. GRCh37 (hg19) VCF-style: chr9-32984804-G-A.
Other names: c.595C>T, p.Arg199Cys (NM_001195249.2, NM_001195251.2, NM_001368995.1 and 6 more transcripts); c.433C>T, p.Arg145Cys (NM_001195250.2, NM_001195254.2, NM_001369000.1 and 1 more transcripts); c.379C>T, p.Arg127Cys (NM_001195252.2); c.331C>T, p.Arg111Cys (NM_001369002.1, NM_001369003.1, NM_001369004.1 and 5 more transcripts); short protein forms R111C, R127C, R145C, R199C.
Identifiers: ClinVar variation 1302141 (VCV001302141.12), dbSNP rs778965012, ClinGen allele CA5022362.

ClinVar aggregate classification (germline): Uncertain significance. Review status: criteria provided, multiple submitters, no conflicts (2 of 4 stars). 2 submissions from 2 submitters: Uncertain significance (2). Last evaluated 2025-05-01.

Allele frequency attached by ClinVar (database versions not stated): gnomAD 0.00001; gnomAD exomes 0.00001 and 0.00002; ExAC 0.00002.
gnomAD v4.1: 16 of 1,614,042 alleles (0.00099%); highest among the groups gnomAD compares: Middle Eastern, 0.016%; no homozygotes.

Submissions (2):

CeGaT Center for Human Genetics Tuebingen
Classification: Uncertain significance. Last evaluated: 2025-05-01. Review status: criteria provided, single submitter. Criteria: CeGaT Center For Human Genetics Tuebingen Variant Classification Criteria Version 2. Collection method: clinical testing. Allele origin: germline. Affected: yes. Observed: 1 variant allele.
Comment: APTX: PM2

GeneDx
Classification: Uncertain significance. Last evaluated: 2019-05-15. Review status: criteria provided, single submitter. Criteria: GeneDx Variant Classification Process June 2021. Collection method: clinical testing. Allele origin: germline. Affected: yes.
Comment: Not observed at a significant frequency in large population cohorts (Lek et al., 2016); In silico analysis, which includes protein predictors and evolutionary conservation, supports a deleterious effect; Has not been previously published as pathogenic or benign to our knowledge